The following is an entry in ClinVar:

ClinVar aggregate classification (germline): Uncertain significance (1 of 4 stars; one submission).

Allele frequency attached by ClinVar (database versions not stated): gnomAD exomes below 0.00001.
gnomAD v4.1: 2 of 1,537,348 alleles (0.00013%); highest among the groups gnomAD compares: Non-Finnish European, 0.00017%; no homozygotes.

Submission:

Labcorp Genetics (formerly Invitae), Labcorp
Classification: Uncertain significance. Last evaluated: 2023-07-27. Review status: criteria provided, single submitter. Criteria: Invitae Variant Classification Sherloc (09022015). Collection method: clinical testing. Allele origin: germline.
Comment: This sequence change replaces valine, which is neutral and non-polar, with isoleucine, which is neutral and non-polar, at codon 658 of the PIEZO2 protein (p.Val658Ile). This variant is not present in population databases (gnomAD no frequency). This variant has not been reported in the literature in individuals affected with PIEZO2-related conditions. Advanced modeling of protein sequence and biophysical properties (such as structural, functional, and spatial information, amino acid conservation, physicochemical variation, residue mobility, and thermodynamic stability) performed at Invitae indicates that this missense variant is not expected to disrupt PIEZO2 protein function. In summary, the available evidence is currently insufficient to determine the role of this variant in disease. Therefore, it has been classified as a Variant of Uncertain Significance.

NM_001378183.1(PIEZO2):c.1972G>A (p.Val658Ile)

Gene: PIEZO2 (piezo type mechanosensitive ion channel component 2; minus strand). Cytogenetic location: 18p11.22.
Variant type: single nucleotide variant.
Coding change: c.1972G>A on transcript NM_001378183.1 (MANE Select); coding-DNA position 1972, G replaced by A.
Protein change: p.Val658Ile; replaces valine 658 with isoleucine.
Molecular consequence: missense variant.
Genome position (GRCh38, 1-based): chr18:10,789,276, C>T on the plus strand (G>A on the coding strand, the complement: PIEZO2 is on the minus strand). VCF-style: chr18-10789276-C-T. GRCh37 (hg19) VCF-style: chr18-10789274-C-T.
Other names: c.1972G>A, p.Val658Ile (NM_001410871.1, NM_022068.4); short protein forms V658I.
Identifiers: ClinVar variation 2726453 (VCV002726453.3), dbSNP rs2510743779, ClinGen allele CA401922179.